The following is an entry in ClinVar:

NM_015981.4(CAMK2A):c.884C>A (p.Ala295Asp)

Gene: CAMK2A (calcium/calmodulin dependent protein kinase II alpha; minus strand). Cytogenetic location: 5q32.
Variant type: single nucleotide variant.
Coding change: c.884C>A on transcript NM_015981.4 (MANE Select); coding-DNA position 884, C replaced by A.
Protein change: p.Ala295Asp; replaces alanine 295 with aspartic acid.
Molecular consequence: missense variant.
Genome position (GRCh38, 1-based): chr5:150,250,242, G>T on the plus strand (C>A on the coding strand, the complement: CAMK2A is on the minus strand). VCF-style: chr5-150250242-G-T. GRCh37 (hg19) VCF-style: chr5-149629805-G-T.
Other names: p.Ala295Asp; c.884C>A, p.Ala295Asp (NM_001363989.1, NM_001363990.1, NM_001369025.2 and 1 more transcripts); short protein forms A295D.
Identifiers: ClinVar variation 1803780 (VCV001803780.4), dbSNP rs2532310162, ClinGen allele CA361749309.

ClinVar aggregate classification (germline): Conflicting classifications of pathogenicity. Review status: criteria provided, conflicting classifications (1 of 4 stars). 2 submissions from 2 submitters: Likely pathogenic (1); Uncertain significance (1). Last evaluated 2021-05-03.

Conditions:
Intellectual developmental disorder, autosomal dominant 53. Also called: MENTAL RETARDATION, AUTOSOMAL DOMINANT 53; Intellectual disability, autosomal dominant 53. Identifiers: MedGen C4540481, MONDO:0030919, OMIM 617798.

Submissions (2):

Foundation for Research in Genetics and Endocrinology, FRIGE's Institute of Human Genetics
Classification: Likely pathogenic for Intellectual developmental disorder, autosomal dominant 53. Last evaluated: 2021-05-03. Review status: criteria provided, single submitter. Criteria: ACMG Guidelines, 2015. Collection method: research. Allele origin: de novo. Inheritance: Autosomal dominant inheritance. Affected: yes. Observed: 1 heterozygote.
Comment: A heterozygous missense variation in exon 11 of the CAMK2A gene that results in the amino acid substitution of Aspartic acid for Alanine at codon 295 was detected. The observed variant c.884C>A (p.Ala295Asp) has not been reported in the 1000 genomes and gnomAD databases. The in silico prediction of the variant are probably damaging by PolyPhen-2 (HumDiv) and damaging by SIFT, LRT and MutationTaster2. The reference codon is conserved across species. Segregation analysis showed the variant to be de novo. In summary, the variant meets our criteria to be classified as likely pathogenic.

Neuberg Centre For Genomic Medicine, NCGM
Classification: Uncertain significance for Intellectual developmental disorder, autosomal dominant 53. Review status: criteria provided, single submitter. Criteria: ACMG Guidelines, 2015. Collection method: clinical testing. Allele origin: germline. Affected: yes.
Comment: The missense variant c.884C>A (p.Ala295Asp) in CAMK2A gene has not been reported previously as a pathogenic variant nor as a benign variant, to our knowledge. The variant is novel (not in any individuals) in gnomAD Exomes and 1000 Genomes. The amino acid Alanine at position 295 is changed to a Aspartic acid changing protein sequence and it might alter its composition and physico-chemical properties. The variant is predicted to be damaging by both SIFT and PolyPhen2. The residue is conserved across species. For these reasons, this variant has been classified as Uncertain Significance.